The following is an entry in ClinVar:

ClinVar aggregate classification (germline): Benign. Review status: criteria provided, multiple submitters, no conflicts (2 of 4 stars). 5 submissions from 5 submitters: Benign (4). 1 of the submissions does not count toward it. Last evaluated 2026-01-24.

Conditions:
Inborn genetic diseases. Identifiers: MedGen C0950123, MeSH D030342.
Nance-Horan syndrome (NHS). Identifiers: Orphanet 627, MedGen C0796085, MONDO:0010545, OMIM 302350.

Allele frequency attached by ClinVar (database versions not stated): ExAC 0.01063; gnomAD 0.02748 and 0.02899; ESP Exome Variant Server 0.03153; TOPMed 0.03202; 1000 Genomes Project 0.03629; 1000 Genomes Project 30x 0.03809; gnomAD exomes 0.00307 and 0.00861.
gnomAD v4.1: 6,663 of 1,210,009 alleles (0.55%); highest among the groups gnomAD compares: African/African-American, 9.2%; 198 homozygotes.

Submissions (5):

Labcorp Genetics (formerly Invitae), Labcorp
Classification: Benign for Nance-Horan syndrome. Last evaluated: 2026-01-24. Review status: criteria provided, single submitter. Criteria: Invitae Variant Classification Sherloc (09022015). Collection method: clinical testing. Allele origin: germline.

GeneDx
Classification: Benign. Last evaluated: 2019-06-06. Review status: criteria provided, single submitter. Criteria: GeneDx Variant Classification Process June 2021. Collection method: clinical testing. Allele origin: germline. Affected: yes.

Ambry Genetics
Classification: Benign for Inborn genetic diseases. Last evaluated: 2014-11-24. Review status: criteria provided, single submitter. Criteria: Ambry Variant Classification Scheme 2023. Collection method: clinical testing. Allele origin: germline.

Breakthrough Genomics
Classification: Benign. Review status: criteria provided, single submitter. Criteria: ACMG Guidelines, 2015. Collection method: not provided. Allele origin: germline. Inheritance: X-linked inheritance. Affected: yes.

Genetic Services Laboratory, University of Chicago
Classification: Likely benign for AllHighlyPenetrant. Review status: no assertion criteria provided. Collection method: clinical testing. Allele origin: germline. Inheritance: X-linked inheritance. Not counted in ClinVar's aggregate classification.
Comment: Likely benign based on allele frequency in 1000 Genomes Project or ESP global frequency and its presence in a patient with a rare or unrelated disease phenotype. NOT Sanger confirmed.

NM_001291867.2(NHS):c.3204A>G (p.Leu1068=)

Gene: NHS (NHS actin remodeling regulator; plus strand). Cytogenetic location: Xp22.13.
Variant type: single nucleotide variant.
Coding change: c.3204A>G on transcript NM_001291867.2 (MANE Select); coding-DNA position 3204, A replaced by G.
Protein change: p.Leu1068=; no amino-acid change (leucine 1068 retained).
Molecular consequence: synonymous variant.
Genome position (GRCh38, 1-based): chrX:17,727,310, A>G. VCF-style: chrX-17727310-A-G. GRCh37 (hg19) VCF-style: chrX-17745430-A-G.
Other names: c.2673A>G, p.Leu891= (NM_001136024.4); c.2610A>G, p.Leu870= (NM_001291868.2); c.3141A>G, p.Leu1047= (NM_198270.4).
Identifiers: ClinVar variation 129775 (VCV000129775.23), dbSNP rs56691712, ClinGen allele CA154067.